The following is an entry in ClinVar:

NM_002609.4(PDGFRB):c.1074C>T (p.Gly358=)

Gene: PDGFRB (platelet derived growth factor receptor beta; minus strand). Cytogenetic location: 5q32.
Variant type: single nucleotide variant.
Coding change: c.1074C>T on transcript NM_002609.4 (MANE Select); coding-DNA position 1074, C replaced by T.
Protein change: p.Gly358=; no amino-acid change (glycine 358 retained).
Molecular consequence: synonymous variant.
Genome position (GRCh38, 1-based): chr5:150,132,803, G>A on the plus strand (C>T on the coding strand, the complement: PDGFRB is on the minus strand). VCF-style: chr5-150132803-G-A. GRCh37 (hg19) VCF-style: chr5-149512366-G-A.
Other names: c.882C>T, p.Gly294= (NM_001355016.2); c.591C>T, p.Gly197= (NM_001355017.2).
Identifiers: ClinVar variation 4990449 (VCV004990449.1).
Genomic context (GRCh38, chr5:150,132,803, plus strand): 5'-TGCTCACCGGGTCTCCGACACGTTGCGCGTGGACAGGGCGATTTCGCCAGCGCTGGAGTC[G>A]CCCAGGGTGCGGTTGTCTTTGAACCACAGGACAGTGGGCGGTGGGTAGGCCTCGAACACT-3'
Protein context (NP_002600.1, residues 348-368): VLWFKDNRTL[Gly358=]DSSAGEIALS

ClinVar aggregate classification (germline): Likely benign (1 of 4 stars; one submission).

Conditions:
PDGFRB-related disorder. Also called: PDGFRB-related condition.

gnomAD v4.1: 7 of 1,612,656 alleles (0.00043%); highest among the groups gnomAD compares: African/African-American, 0.0027%; no homozygotes.

Submission:

PreventionGenetics, part of Exact Sciences
Classification: Likely benign for PDGFRB-related condition. Last evaluated: 2026-05-08. Review status: criteria provided, single submitter. Criteria: ACMG Guidelines, 2015. Collection method: clinical testing. Allele origin: germline.
Comment: This variant is classified as likely benign based on ACMG/AMP sequence variant interpretation guidelines (Richards et al. 2015 PMID: 25741868, with internal and published modifications).